The following is an entry in ClinVar:

ClinVar aggregate classification (germline): Uncertain significance. Review status: criteria provided, multiple submitters, no conflicts (2 of 4 stars). 2 submissions from 2 submitters: Uncertain significance (2). Last evaluated 2024-01-31.

Conditions:
Hypercholesterolemia, autosomal dominant, 3 (FHCL3). Also called: Familial hypercholesterolemia 3; Familial Hypercholesterolemia, Autosomal Dominant, 3; PCSK9-Related Familial Hypercholesterolemia, Autosomal Dominant. Identifiers: MedGen C1863551, MONDO:0011369, OMIM 603776.
Cardiovascular phenotype. Identifiers: MedGen CN230736.

Submissions (2):

Labcorp Genetics (formerly Invitae), Labcorp
Classification: Uncertain significance for Hypercholesterolemia, autosomal dominant, 3. Last evaluated: 2024-01-31. Review status: criteria provided, single submitter. Criteria: Invitae Variant Classification Sherloc (09022015). Collection method: clinical testing. Allele origin: germline.
Comment: This sequence change replaces glycine, which is neutral and non-polar, with valine, which is neutral and non-polar, at codon 517 of the PCSK9 protein (p.Gly517Val). This variant is not present in population databases (gnomAD no frequency). This variant has not been reported in the literature in individuals affected with PCSK9-related conditions. ClinVar contains an entry for this variant (Variation ID: 1018970). Advanced modeling of protein sequence and biophysical properties (such as structural, functional, and spatial information, amino acid conservation, physicochemical variation, residue mobility, and thermodynamic stability) performed at Invitae indicates that this missense variant is not expected to disrupt PCSK9 protein function with a negative predictive value of 80%. In summary, the available evidence is currently insufficient to determine the role of this variant in disease. Therefore, it has been classified as a Variant of Uncertain Significance.

Ambry Genetics
Classification: Uncertain significance for Cardiovascular phenotype. Last evaluated: 2023-03-30. Review status: criteria provided, single submitter. Criteria: Ambry Variant Classification Scheme 2023. Collection method: clinical testing. Allele origin: germline.
Comment: The p.G517V variant (also known as c.1550G>T), located in coding exon 10 of the PCSK9 gene, results from a G to T substitution at nucleotide position 1550. The glycine at codon 517 is replaced by valine, an amino acid with dissimilar properties. This amino acid position is highly conserved in available vertebrate species. In addition, the in silico prediction for this alteration is inconclusive. Since supporting evidence is limited at this time, the clinical significance of this alteration remains unclear.

NM_174936.4(PCSK9):c.1550G>T (p.Gly517Val)

Gene: PCSK9 (proprotein convertase subtilisin/kexin type 9; plus strand). Cytogenetic location: 1p32.3.
Variant type: single nucleotide variant.
Coding change: c.1550G>T on transcript NM_174936.4 (MANE Select); coding-DNA position 1550, G replaced by T.
Protein change: p.Gly517Val; replaces glycine 517 with valine.
Molecular consequence: missense variant.
Genome position (GRCh38, 1-based): chr1:55,059,532, G>T. VCF-style: chr1-55059532-G-T. GRCh37 (hg19) VCF-style: chr1-55525205-G-T.
Other names: c.1673G>T, p.Gly558Val (NM_001407240.1); c.1592G>T, p.Gly531Val (NM_001407241.1); c.1553G>T, p.Gly518Val (NM_001407242.1); c.1493G>T, p.Gly498Val (NM_001407243.1); c.1376G>T, p.Gly459Val (NM_001407244.1); c.1358G>T, p.Gly453Val (NM_001407245.1); c.1175G>T, p.Gly392Val (NM_001407246.1); short protein forms G517V, G453V, G518V, G459V, G531V, G392V, G498V, G558V.
Identifiers: ClinVar variation 1018970 (VCV001018970.12), dbSNP rs1182044412, ClinGen allele CA340479792.
Genomic context (GRCh38, chr1:55,059,532, plus strand): 5'-TCTTTGACTCTAAGGCCCAAGGGGGCAAGCTGGTCTGCCGGGCCCACAACGCTTTTGGGG[G>T]TGAGGGTGTCTACGCCATTGCCAGGTGCTGCCTGCTACCCCAGGCCAACTGCAGCGTCCA-3'
Protein context (NP_777596.2, residues 507-527): LVCRAHNAFG[Gly517Val]EGVYAIARCC